The following is an entry in ClinVar:

ClinVar aggregate classification (germline): Pathogenic (1 of 4 stars; one submission).

Conditions:
Familial thoracic aortic aneurysm and aortic dissection (TAAD). Also called: Thoracic aortic aneurysms and dissections. Identifiers: Orphanet 91387, MedGen C4707243, MONDO:0019625.

Submission:

Labcorp Genetics (formerly Invitae), Labcorp
Classification: Pathogenic for Familial thoracic aortic aneurysm and aortic dissection. Last evaluated: 2025-05-07. Review status: criteria provided, single submitter. Criteria: Invitae Variant Classification Sherloc (09022015). Collection method: clinical testing. Allele origin: germline.
Comment: This sequence change is expected to alter the c-terminus of the SMAD3 protein (p.Trp406Leufs*69). While this is not anticipated to result in nonsense mediated decay, it is expected to disrupt the last 20 amino acid(s) of the SMAD3 protein and extend the protein by 48 additional amino acid residues. This variant is not present in population databases (gnomAD no frequency). This variant has not been reported in the literature in individuals affected with SMAD3-related conditions. This variant disrupts a region of the SMAD3 protein in which other variant(s) (p.Ser425Cys) have been determined to be pathogenic (internal data). This suggests that this is a clinically significant region of the protein, and that variants that disrupt it are likely to be disease-causing. For these reasons, this variant has been classified as Pathogenic.

NM_005902.4(SMAD3):c.1217_1220del (p.Trp406fs)

Gene: SMAD3 (SMAD family member 3; plus strand). Cytogenetic location: 15q22.33.
Variant type: Deletion.
Coding change: c.1217_1220del on transcript NM_005902.4 (MANE Select); coding-DNA positions 1217 to 1220, 4 bases deleted (GGCT; older notation c.1217_1220delGGCT).
Protein change: p.Trp406fs; shifts the reading frame from tryptophan 406.
Molecular consequence: frameshift variant.
Genome position (GRCh38, 1-based): chr15:67,190,475-67,190,478, GGCT deleted; deleting any 4 consecutive bases within chr15:67,190,474-67,190,478 gives the same sequence; the c. name uses the placement nearest the transcript's 3' end. VCF-style (leftmost placement, unchanged base first): chr15-67190473-GTGGC-G. GRCh37 (hg19) VCF-style: chr15-67482811-GTGGC-G.
Other names: c.902_905del, p.Trp301fs (NM_001145102.2, NM_001407016.1); c.1085_1088del, p.Trp362fs (NM_001145103.2, NM_001407012.1); c.632_635del, p.Trp211fs (NM_001145104.2, NM_001407017.1); c.1328_1331del, p.Trp443fs (NM_001407011.1); c.1079_1082del, p.Trp360fs (NM_001407013.1); c.1070_1073del, p.Trp357fs (NM_001407014.1); c.770_773del, p.Trp257fs (NM_001407015.1); short protein forms W357fs, W406fs, W257fs, W360fs, W301fs, W211fs, W362fs, W443fs.
Identifiers: ClinVar variation 4715640 (VCV004715640.1).